The following is an entry in ClinVar:

NM_020937.4(FANCM):c.231C>T (p.Thr77=)

Gene: FANCM (FA complementation group M; plus strand). Cytogenetic location: 14q21.2.
Variant type: single nucleotide variant.
Coding change: c.231C>T on transcript NM_020937.4 (MANE Select); coding-DNA position 231, C replaced by T.
Protein change: p.Thr77=; no amino-acid change (threonine 77 retained).
Molecular consequence: synonymous variant.
Genome position (GRCh38, 1-based): chr14:45,136,262, C>T. VCF-style: chr14-45136262-C-T. GRCh37 (hg19) VCF-style: chr14-45605465-C-T.
Other names: c.231C>T (NM_020937.3); c.231C>T, p.Thr77= (NM_001308133.2, NM_001308134.2).
Identifiers: ClinVar variation 526477 (VCV000526477.15), dbSNP rs377164876, ClinGen allele CA7168724.
Genomic context (GRCh38, chr14:45,136,262, plus strand): 5'-GCTTGTCGCGGCGTACGAGGCTGAGCGGCAGTTGTGTCTAGAGAATGGCGGGTTCTGCAC[C>T]TCCGCGGGCGCCCTGTGGATTTACCCTACCAATTGCCCAGTGCGGGACTACCAGCTGCAC-3'
Protein context (NP_065988.1, residues 67-87): QLCLENGGFC[Thr77=]SAGALWIYPT

ClinVar aggregate classification (germline): Likely benign. Review status: criteria provided, multiple submitters, no conflicts (2 of 4 stars). 5 submissions from 5 submitters: Likely benign (5). Last evaluated 2026-08-01.

Conditions:
Inborn genetic diseases. Identifiers: MedGen C0950123, MeSH D030342.
Fanconi anemia (FA). Also called: Fanconi's anemia. Identifiers: Orphanet 84, MedGen C0015625, MeSH D005199, MONDO:0019391.
Spermatogenic failure 28. Identifiers: MedGen C4748117, MONDO:0054732, OMIM 618086.
Premature ovarian failure 15. Identifiers: MedGen C4748170, MONDO:0054862, OMIM 618096.

Allele frequency attached by ClinVar (database versions not stated): gnomAD exomes 0.00003 and 0.00006; gnomAD 0.00004 and 0.00005; ExAC 0.00006; TOPMed 0.00006; ESP Exome Variant Server 0.00008.
gnomAD v4.1: 57 of 1,614,184 alleles (0.0035%); highest among the groups gnomAD compares: Middle Eastern, 0.033%; no homozygotes.

Submissions (5):

CeGaT Center for Human Genetics Tuebingen
Classification: Likely benign. Last evaluated: 2026-08-01. Review status: criteria provided, single submitter. Criteria: CeGaT Center For Human Genetics Tuebingen Variant Classification Criteria Version 2. Collection method: clinical testing. Allele origin: germline. Affected: yes. Observed: 1 variant allele.
Comment: FANCM: BP4, BP7

Labcorp Genetics (formerly Invitae), Labcorp
Classification: Likely benign for Fanconi anemia. Last evaluated: 2025-11-19. Review status: criteria provided, single submitter. Criteria: Invitae Variant Classification Sherloc (09022015). Collection method: clinical testing. Allele origin: germline.

Quest Diagnostics Nichols Institute San Juan Capistrano
Classification: Likely benign. Last evaluated: 2025-02-08. Review status: criteria provided, single submitter. Criteria: Quest Diagnostics criteria. Collection method: clinical testing. Allele origin: unknown.

Ambry Genetics
Classification: Likely benign for Inborn genetic diseases. Last evaluated: 2024-11-17. Review status: criteria provided, single submitter. Criteria: Ambry Variant Classification Scheme 2023. Collection method: clinical testing. Allele origin: germline.

Fulgent Genetics
Classification: Likely benign for Spermatogenic failure 28; Premature ovarian failure 15. Last evaluated: 2021-07-21. Review status: criteria provided, single submitter. Criteria: ACMG Guidelines, 2015. Collection method: clinical testing. Allele origin: unknown.